The following is an entry in ClinVar:

NM_000059.4(BRCA2):c.3984T>C (p.Ser1328=)

Gene: BRCA2 (BRCA2 DNA repair associated; plus strand). Cytogenetic location: 13q13.1.
Variant type: single nucleotide variant.
Coding change: c.3984T>C on transcript NM_000059.4 (MANE Select); coding-DNA position 3984, T replaced by C.
Protein change: p.Ser1328=; no amino-acid change (serine 1328 retained).
Molecular consequence: synonymous variant.
Genome position (GRCh38, 1-based): chr13:32,338,339, T>C. VCF-style: chr13-32338339-T-C. GRCh37 (hg19) VCF-style: chr13-32912476-T-C.
Identifiers: ClinVar variation 233312 (VCV000233312.17), dbSNP rs876660328, ClinGen allele CA10579598.

ClinVar aggregate classification (germline): Likely benign. Review status: reviewed by expert panel (3 of 4 stars). 5 submissions from 5 submitters: Likely benign (1). 4 of the submissions do not count toward it. Last evaluated 2017-06-29.

Conditions:
Hereditary cancer-predisposing syndrome. Also called: Tumor predisposition; Hereditary Cancer Syndrome; Hereditary neoplastic syndrome; Neoplastic Syndromes, Hereditary. Identifiers: Orphanet 140162, MedGen C0027672, MeSH D009386, MONDO:0015356.
Hereditary breast ovarian cancer syndrome. Also called: Hereditary breast and ovarian cancer; Breast and ovarian cancer; BRCA1- and BRCA2-Associated Hereditary Breast and Ovarian Cancer; Hereditary breast and ovarian cancer syndrome; Hereditary breast and ovarian cancer syndrome (HBOC); Hereditary breast and/or ovarian cancer syndrome. Identifiers: Orphanet 145, MedGen C0677776, MeSH D061325, MONDO:0003582. Disease mechanism: loss of function.
Breast-ovarian cancer, familial, susceptibility to, 2 (BROVCA2). Also called: BRCA2 Hereditary Breast and Ovarian Cancer. Identifiers: Orphanet 145, MedGen C2675520, MONDO:0012933, OMIM 612555. Disease mechanism: loss of function.

Allele frequency attached by ClinVar (database versions not stated): gnomAD 0.00001.

Submissions (5):

Evidence-based Network for the Interpretation of Germline Mutant Alleles (ENIGMA)
Classification: Likely benign for Breast-ovarian cancer, familial, susceptibility to, 2. Last evaluated: 2017-06-29. Review status: reviewed by expert panel. Criteria: ENIGMA BRCA1/2 Classification Criteria (2017-06-29). Collection method: curation. Allele origin: germline.
Comment: Synonymous substitution variant, with low bioinformatic likelihood to result in a splicing aberration (Splicing prior probability 0.02).

Labcorp Genetics (formerly Invitae), Labcorp
Classification: Likely benign for Hereditary breast ovarian cancer syndrome. Last evaluated: 2024-11-30. Review status: criteria provided, single submitter. Criteria: Invitae Variant Classification Sherloc (09022015). Collection method: clinical testing. Allele origin: germline. Not counted in ClinVar's aggregate classification.

Color Diagnostics, LLC DBA Color Health
Classification: Likely benign for Hereditary cancer-predisposing syndrome. Last evaluated: 2018-02-06. Review status: criteria provided, single submitter. Criteria: ACMG Guidelines, 2015. Collection method: clinical testing. Allele origin: germline. Not counted in ClinVar's aggregate classification.

GeneDx
Classification: Likely benign. Last evaluated: 2016-05-04. Review status: criteria provided, single submitter. Criteria: GeneDx Variant Classification (06012015). Collection method: clinical testing. Allele origin: germline. Affected: yes. Not counted in ClinVar's aggregate classification.
Comment: This variant is considered likely benign or benign based on one or more of the following criteria: it is a conservative change, it occurs at a poorly conserved position in the protein, it is predicted to be benign by multiple in silico algorithms, and/or has population frequency not consistent with disease.

Ambry Genetics
Classification: Likely benign for Hereditary cancer-predisposing syndrome. Last evaluated: 2015-07-31. Review status: criteria provided, single submitter. Criteria: Ambry Variant Classification Scheme 2023. Collection method: clinical testing. Allele origin: germline. Not counted in ClinVar's aggregate classification.